The following is an entry in ClinVar:

ClinVar aggregate classification (germline): Uncertain significance. Review status: criteria provided, multiple submitters, no conflicts (2 of 4 stars). 3 submissions from 3 submitters: Uncertain significance (2). 1 of the submissions does not count toward it. Last evaluated 2026-01-24.

Conditions:
Polyglandular autoimmune syndrome, type 1 (APS1). Also called: PGA I; Autoimmune polyendocrinopathy syndrome , type I, with or without reversible metaphyseal dysplasia; Autoimmune polyendocrine syndrome type 1; HYPOADRENOCORTICISM WITH HYPOPARATHYROIDISM AND SUPERFICIAL MONILIASIS; Autoimmune polyendocrinopathy syndrome, type I; Whitaker syndrome. Identifiers: Orphanet 3453, MedGen C0085859, MONDO:0009411, OMIM 240300.

Allele frequency attached by ClinVar (database versions not stated): gnomAD 0.00007; gnomAD exomes 0.00007; TOPMed 0.00011; 1000 Genomes Project 30x 0.00016; ExAC 0.00024; ESP Exome Variant Server 0.00024; 1000 Genomes Project 0.00040.
gnomAD v4.1: 78 of 1,549,888 alleles (0.005%); highest among the groups gnomAD compares: African/African-American, 0.018%; no homozygotes.

Submissions (3):

Labcorp Genetics (formerly Invitae), Labcorp
Classification: Uncertain significance for Polyglandular autoimmune syndrome, type 1. Last evaluated: 2026-01-24. Review status: criteria provided, single submitter. Criteria: Invitae Variant Classification Sherloc (09022015). Collection method: clinical testing. Allele origin: germline.
Comment: This sequence change replaces proline, which is neutral and non-polar, with leucine, which is neutral and non-polar, at codon 365 of the AIRE protein (p.Pro365Leu). This variant is present in population databases (rs374475349, gnomAD 0.03%). This variant has not been reported in the literature in individuals affected with AIRE-related conditions. ClinVar contains an entry for this variant (Variation ID: 968612). Invitae Evidence Modeling of protein sequence and biophysical properties (such as structural, functional, and spatial information, amino acid conservation, physicochemical variation, residue mobility, and thermodynamic stability) indicates that this missense variant is not expected to disrupt AIRE protein function with a negative predictive value of 95%. In summary, the available evidence is currently insufficient to determine the role of this variant in disease. Therefore, it has been classified as a Variant of Uncertain Significance.

Women's Health and Genetics/Laboratory Corporation of America, LabCorp
Classification: Uncertain significance. Last evaluated: 2025-12-12. Review status: criteria provided, single submitter. Criteria: LabCorp Variant Classification Summary - May 2015. Collection method: clinical testing. Allele origin: germline.
Comment: Variant summary: AIRE c.1094C>T (p.Pro365Leu) results in a non-conservative amino acid change in the encoded protein sequence. Algorithms developed to predict the effect of missense changes on protein structure and function are either unavailable or do not agree on the potential impact of this missense change. Consensus agreement among computation tools predict no significant impact on normal splicing. However, these predictions have yet to be confirmed by functional studies. The variant allele was found at a frequency of 7.4e-05 in 148094 control chromosomes. This frequency is not significantly higher than estimated for disease-causing variants in AIRE, allowing no conclusion about variant significance. To our knowledge, no occurrence of c.1094C>T in individuals affected with AIRE-related conditions and no experimental evidence demonstrating its impact on protein function have been reported. The following publications have been ascertained in the context of this evaluation (PMID: 35982159, 33352647, 33057194). ClinVar contains an entry for this variant (Variation ID: 968612). Based on the evidence outlined above, the variant was classified as uncertain significance.

Natera, Inc.
Classification: Uncertain significance for Polyglandular autoimmune syndrome type 1. Last evaluated: 2020-01-17. Review status: no assertion criteria provided. Collection method: clinical testing. Allele origin: germline. Not counted in ClinVar's aggregate classification.

Literature cited by the submitters: PubMed 33352647 (cited by Women's Health and Genetics/Laboratory Corporation of America, LabCorp); PubMed 35982159 (cited by Women's Health and Genetics/Laboratory Corporation of America, LabCorp); PubMed 33057194 (cited by Women's Health and Genetics/Laboratory Corporation of America, LabCorp).

NM_000383.4(AIRE):c.1094C>T (p.Pro365Leu)

Gene: AIRE (autoimmune regulator; plus strand). Cytogenetic location: 21q22.3.
Variant type: single nucleotide variant.
Coding change: c.1094C>T on transcript NM_000383.4 (MANE Select); coding-DNA position 1094, C replaced by T.
Protein change: p.Pro365Leu; replaces proline 365 with leucine.
Molecular consequence: missense variant.
Genome position (GRCh38, 1-based): chr21:44,292,400, C>T. VCF-style: chr21-44292400-C-T. GRCh37 (hg19) VCF-style: chr21-45712283-C-T.
Other names: short protein forms P365L.
Identifiers: ClinVar variation 968612 (VCV000968612.9), dbSNP rs374475349, ClinGen allele CA10051917.